The following is an entry in ClinVar:

NM_000268.4(NF2):c.1280A>C (p.Glu427Ala)

Gene: NF2 (NF2, moesin-ezrin-radixin like (MERLIN) tumor suppressor; plus strand). Cytogenetic location: 22q12.2.
Variant type: single nucleotide variant.
Coding change: c.1280A>C on transcript NM_000268.4 (MANE Select); coding-DNA position 1280, A replaced by C.
Protein change: p.Glu427Ala; replaces glutamic acid 427 with alanine.
Molecular consequence: missense variant. On other transcripts: non-coding transcript variant (1), intron variant (1).
Genome position (GRCh38, 1-based): chr22:29,673,426, A>C. VCF-style: chr22-29673426-A-C. GRCh37 (hg19) VCF-style: chr22-30069415-A-C.
Other names: c.1280A>C, p.Glu427Ala (NM_016418.5, NM_181825.3, NM_181832.3); c.1154A>C, p.Glu385Ala (NM_181828.3); c.1157A>C, p.Glu386Ala (NM_181829.3); c.1031A>C, p.Glu344Ala (NM_181830.3, NM_181831.3); c.448-21326A>C (NM_181833.3); short protein forms E385A, E386A, E344A, E427A.
Identifiers: ClinVar variation 857191 (VCV000857191.10), dbSNP rs760382219, ClinGen allele CA411148437.

ClinVar aggregate classification (germline): Uncertain significance (1 of 4 stars; one submission).

Conditions:
Neurofibromatosis, type 2 (SWNV). Also called: BILATERAL ACOUSTIC NEUROFIBROMATOSIS; SCHWANNOMATOSIS, VESTIBULAR; NF2-Related Schwannomatosis. Identifiers: Orphanet 637, MedGen C0027832, MONDO:0007039, OMIM 101000. Disease mechanism: loss of function.

Submission:

Labcorp Genetics (formerly Invitae), Labcorp
Classification: Uncertain significance for Neurofibromatosis, type 2. Last evaluated: 2019-03-27. Review status: criteria provided, single submitter. Criteria: Invitae Variant Classification Sherloc (09022015). Collection method: clinical testing. Allele origin: germline.
Comment: This variant is not present in population databases (ExAC no frequency). In summary, the available evidence is currently insufficient to determine the role of this variant in disease. Therefore, it has been classified as a Variant of Uncertain Significance. Algorithms developed to predict the effect of missense changes on protein structure and function are either unavailable or do not agree on the potential impact of this missense change (SIFT: "Deleterious"; PolyPhen-2: "Possibly Damaging"; Align-GVGD: "Class C15"). This variant has not been reported in the literature in individuals with NF2-related conditions. This sequence change replaces glutamic acid with alanine at codon 427 of the NF2 protein (p.Glu427Ala). The glutamic acid residue is highly conserved and there is a moderate physicochemical difference between glutamic acid and alanine.